The following is an entry in ClinVar:

ClinVar aggregate classification (germline): Benign. Review status: criteria provided, single submitter (1 of 4 stars). 2 submissions from 2 submitters: Benign (1). 1 of the submissions does not count toward it. Last evaluated 2018-02-27.

Conditions:
Epilepsy. Also called: Seizure disorder. Identifiers: MedGen C0014544, MeSH D004827, MONDO:0005027.

Allele frequency attached by ClinVar (database versions not stated): ExAC 0.49656; gnomAD exomes 0.52650 and 0.49570; 1000 Genomes Project 30x 0.38413; 1000 Genomes Project 0.39517; TOPMed 0.40089; gnomAD 0.42104 and 0.42818; ESP Exome Variant Server 0.42334.

Submissions (2):

GeneDx
Classification: Benign. Last evaluated: 2018-02-27. Review status: criteria provided, single submitter. Criteria: GeneDx Variant Classification (06012015). Collection method: clinical testing. Allele origin: germline. Affected: yes.
Comment: This variant is considered likely benign or benign based on one or more of the following criteria: it is a conservative change, it occurs at a poorly conserved position in the protein, it is predicted to be benign by multiple in silico algorithms, and/or has population frequency not consistent with disease.

School of Pharmacy, The University of Jordan
Classification: Pathogenic for Epilepsy. Last evaluated: 2020-01-01. Review status: no assertion criteria provided. Collection method: case-control. Allele origin: germline. Affected: yes. Not counted in ClinVar's aggregate classification.
Comment: The ABCB1 C3435T variant (rs1045642) is reported in the literature in multiple individuals affected by epilepsy. They observed a significant association with C3435T (rs1045642) at both the genotypic and allelic levels. They found that the TT genotype and T allele were overrepresented in patients with epilepsy(Balan et al., 2014; Dong et al., 2011). Additionally, Ponnala et al revealed that the T allele of the ABCB1 C3435T (rs1045642) variant was higher in the Indian epileptic population compared with controls (Ponnala et al., 2012). Moreover, four studies revealed similar relationships between the ABCB1 C3435T (rs1045642) variant and the development of epilepsy (Grover et al., 2010; Hung et al., 2005; Tang et al., 2002; Ufer et al., 2009). Furthermore, this variant is reported as pathogenic by our laboratory clinical study. We found the CC genotype is more frequent in epileptics than in healthy people. On the contrary, the TT genotype was less frequent in cases than in controls. Further analysis of our data based on dominant and recessive models of the ABCB1 C3435T (rs1045642) polymorphism revealed that patients with epilepsy were more likely to have at least one C allele. In contrast, healthy individuals are less likely to have at least one T allele compared to patients.

Literature cited by the submitters: PubMed 22033938 (cited by School of Pharmacy, The University of Jordan); PubMed 24586633 (cited by School of Pharmacy, The University of Jordan); PubMed 22239287 (cited by School of Pharmacy, The University of Jordan); PubMed 20417680 (cited by School of Pharmacy, The University of Jordan); PubMed 12172212 (cited by School of Pharmacy, The University of Jordan); PubMed 19415824 (cited by School of Pharmacy, The University of Jordan); PubMed 16004559 (cited by School of Pharmacy, The University of Jordan).

NM_001348946.2(ABCB1):c.3435= (p.Ile1145=)

Gene: ABCB1 (ATP binding cassette subfamily B member 1; minus strand). Cytogenetic location: 7q21.12.
Variant type: single nucleotide variant.
Coding change: c.3435= on transcript NM_001348946.2 (MANE Select); coding-DNA position 3435, no change from the reference sequence.
Protein change: p.Ile1145=; no amino-acid change (isoleucine 1145 retained).
Molecular consequence: no sequence alteration.
Genome position: GRCh38 VCF-style: chr7-87509329-A-A. GRCh37 (hg19) VCF-style: chr7-87138645-A-A.
Other names: c.3435=, p.Ile1145= (NM_000927.5, NM_001348944.2); c.3645=, p.Ile1215= (NM_001348945.2).
Identifiers: ClinVar variation 515930 (VCV000515930.2), dbSNP rs1045642.